The following is an entry in ClinVar:

ClinVar aggregate classification (germline): Pathogenic/Likely pathogenic. Review status: criteria provided, multiple submitters, no conflicts (2 of 4 stars). 2 submissions from 2 submitters: Pathogenic (1); Likely pathogenic (1). Last evaluated 2022-06-22.

Conditions:
Sandhoff disease. Also called: GM2-GANGLIOSIDOSIS, TYPE II; Beta-hexosaminidase-beta-subunit deficiency; GM2 gangliosidosis, type 2; Total hexosaminidase deficiency; Sandhoff-Jatzkewitz-Pilz disease; HEXOSAMINIDASES A AND B DEFICIENCY. Identifiers: Orphanet 796, MedGen C0036161, MONDO:0010006, OMIM 268800.

Submissions (2):

Labcorp Genetics (formerly Invitae), Labcorp
Classification: Pathogenic for Sandhoff disease. Last evaluated: 2022-06-22. Review status: criteria provided, single submitter. Criteria: Invitae Variant Classification Sherloc (09022015). Collection method: clinical testing. Allele origin: germline.
Comment: For these reasons, this variant has been classified as Pathogenic. ClinVar contains an entry for this variant (Variation ID: 984041). This premature translational stop signal has been observed in individual(s) with Sandhoff disease (PMID: 26582265). This variant is not present in population databases (gnomAD no frequency). This sequence change creates a premature translational stop signal (p.Trp111*) in the HEXB gene. It is expected to result in an absent or disrupted protein product. Loss-of-function variants in HEXB are known to be pathogenic (PMID: 7550345, 18758829).

Myriad Genetics, Inc.
Classification: Likely pathogenic for Sandhoff disease. Last evaluated: 2019-03-31. Review status: criteria provided, single submitter. Criteria: Myriad Women's Health Autosomal Recessive and X-Linked Classification Criteria (2019). Collection method: clinical testing. Allele origin: unknown.
Comment: NM_000521.3(HEXB):c.332G>A(W111*) is expected to be pathogenic in the context of Sandhoff disease. This variant is predicted to lead to an abnormal or absent protein product due to the creation of a premature termination codon in HEXB, a gene where loss-of-function variants are known to be pathogenic. Please note: this variant was assessed in the context of healthy population screening.

Literature cited by the submitters: PubMed 26582265 (cited by Labcorp Genetics (formerly Invitae), Labcorp); PubMed 7550345 (cited by Labcorp Genetics (formerly Invitae), Labcorp); PubMed 18758829 (cited by Labcorp Genetics (formerly Invitae), Labcorp).

NM_000521.4(HEXB):c.332G>A (p.Trp111Ter)

Gene: HEXB (hexosaminidase subunit beta; plus strand). Cytogenetic location: 5q13.3.
Variant type: single nucleotide variant.
Coding change: c.332G>A on transcript NM_000521.4 (MANE Select); coding-DNA position 332, G replaced by A.
Protein change: p.Trp111Ter; replaces tryptophan 111 with a stop codon.
Molecular consequence: nonsense. On other transcripts: 5 prime UTR variant (1).
Genome position (GRCh38, 1-based): chr5:74,689,360, G>A. VCF-style: chr5-74689360-G-A. GRCh37 (hg19) VCF-style: chr5-73985185-G-A.
Other names: c.-344G>A (NM_001292004.2); short protein forms W111*.
Identifiers: ClinVar variation 984041 (VCV000984041.7), dbSNP rs1748943719, ClinGen allele CA360062921.